The following is an entry in ClinVar:

NM_172362.3(KCNH1):c.2739G>A (p.Ser913=)

Gene: KCNH1 (potassium voltage-gated channel subfamily H member 1; minus strand). Cytogenetic location: 1q32.2.
Variant type: single nucleotide variant.
Coding change: c.2739G>A on transcript NM_172362.3 (MANE Select); coding-DNA position 2739, G replaced by A.
Protein change: p.Ser913=; no amino-acid change (serine 913 retained).
Molecular consequence: synonymous variant.
Genome position (GRCh38, 1-based): chr1:210,683,512, C>T on the plus strand (G>A on the coding strand, the complement: KCNH1 is on the minus strand). VCF-style: chr1-210683512-C-T. GRCh37 (hg19) VCF-style: chr1-210856854-C-T.
Other names: c.2658G>A, p.Ser886= (NM_002238.4).
Identifiers: ClinVar variation 1567821 (VCV001567821.32), dbSNP rs776900309, ClinGen allele CA1379599.
Genomic context (GRCh38, chr1:210,683,512, plus strand): 5'-CAGCTCGTGCCTCACCTCCAGGACTGTGGCCTGCAGCGTCTGCTCAGGGATGGGGTAGAA[C>T]GAATGCTTGACCTCTGCCAGGATGGGACTCCGATCCTGGGGACTCCTGGCCTCACCCACG-3'
Protein context (NP_758872.1, residues 903-923): RSPILAEVKH[Ser913=]FYPIPEQTLQ

ClinVar aggregate classification (germline): Likely benign. Review status: criteria provided, multiple submitters, no conflicts (2 of 4 stars). 3 submissions from 3 submitters: Likely benign (3). Last evaluated 2024-08-28.

Allele frequency attached by ClinVar (database versions not stated): gnomAD 0.00001; gnomAD exomes 0.00002 and 0.00003; TOPMed 0.00002; ExAC 0.00003.
gnomAD v4.1: 31 of 1,614,026 alleles (0.0019%); highest among the groups gnomAD compares: Middle Eastern, 0.016%; no homozygotes.

Submissions (3):

Blueprint Genetics
Classification: Likely benign. Last evaluated: 2024-08-28. Review status: criteria provided, single submitter. Criteria: ACMG Guidelines, 2015. Collection method: clinical testing. Allele origin: germline.

Labcorp Genetics (formerly Invitae), Labcorp
Classification: Likely benign. Last evaluated: 2024-02-05. Review status: criteria provided, single submitter. Criteria: Invitae Variant Classification Sherloc (09022015). Collection method: clinical testing. Allele origin: germline.

CeGaT Center for Human Genetics Tuebingen
Classification: Likely benign. Last evaluated: 2023-03-01. Review status: criteria provided, single submitter. Criteria: CeGaT Center For Human Genetics Tuebingen Variant Classification Criteria Version 2. Collection method: clinical testing. Allele origin: germline. Affected: yes. Observed: 1 variant allele.
Comment: KCNH1: BP4, BP7